The following is an entry in ClinVar:

ClinVar aggregate classification (germline): Uncertain significance (1 of 4 stars; one submission).

Submission:

Ambry Genetics
Classification: Uncertain significance. Last evaluated: 2024-10-30. Review status: criteria provided, single submitter. Criteria: Ambry Variant Classification Scheme 2023. Collection method: clinical testing. Allele origin: germline.
Comment: The c.4614G>C variant (also known as p.K1538N), located in coding exon 40 of the KIF1B gene, results from a G to C substitution at nucleotide position 4614. The amino acid change results in lysine to asparagine at codon 1538, an amino acid with similar properties. However, this change occurs in the last base pair of coding exon 40, which makes it likely to have some effect on normal mRNA splicing. This nucleotide position is highly conserved in available vertebrate species. This amino acid position is highly conserved in available vertebrate species. In silico splice site analysis predicts that this alteration will weaken the native splice donor site. In addition, the in silico prediction for the protein change for this alteration is inconclusive. The evidence for this gene-disease relationship is limited; therefore, the clinical significance of this alteration is unclear.

NM_001365951.3(KIF1B):c.4752G>C (p.Lys1584Asn)

Gene: KIF1B (kinesin family member 1B; plus strand). Cytogenetic location: 1p36.22.
Variant type: single nucleotide variant.
Coding change: c.4752G>C on transcript NM_001365951.3 (MANE Select); coding-DNA position 4752, G replaced by C.
Protein change: p.Lys1584Asn; replaces lysine 1584 with asparagine.
Molecular consequence: missense variant.
Genome position (GRCh38, 1-based): chr1:10,365,648, G>C. VCF-style: chr1-10365648-G-C. GRCh37 (hg19) VCF-style: chr1-10425706-G-C.
Other names: c.4752G>C, p.Lys1584Asn (NM_001365952.1); c.4614G>C, p.Lys1538Asn (NM_015074.3); short protein forms K1538N, K1584N.
Identifiers: ClinVar variation 3533910 (VCV003533910.1).
Genomic context (GRCh38, chr1:10,365,648, plus strand): 5'-TGGCTATGATTCAGGAGACATCGAAAGCCTGGTGGACCGAGAGAAAGAGCTGGCTACCAA[G>C]GTGTGAATCCCTTCCTCTTTGCTGAACGTCTTCCCACAAGGCTCCACAAACTAGCCTCTC-3'
Protein context (NP_001352880.1, residues 1574-1594): LVDREKELAT[Lys1584Asn]CLQLLTHTFN